The following is an entry in ClinVar:

NM_002230.4(JUP):c.1296C>T (p.Asn432=)

Gene: JUP (junction plakoglobin; minus strand). Cytogenetic location: 17q21.2.
Variant type: single nucleotide variant.
Coding change: c.1296C>T on transcript NM_002230.4 (MANE Select); coding-DNA position 1296, C replaced by T.
Protein change: p.Asn432=; no amino-acid change (asparagine 432 retained).
Molecular consequence: synonymous variant.
Genome position (GRCh38, 1-based): chr17:41,763,184, G>A on the plus strand (C>T on the coding strand, the complement: JUP is on the minus strand). VCF-style: chr17-41763184-G-A. GRCh37 (hg19) VCF-style: chr17-39919436-G-A.
Other names: c.1296C>T, p.Asn432= (NM_001352773.2, NM_001352774.2, NM_001352775.2 and 3 more transcripts).
Identifiers: ClinVar variation 263664 (VCV000263664.17), dbSNP rs544224850, ClinGen allele CA8565239.

ClinVar aggregate classification (germline): Likely benign. Review status: criteria provided, multiple submitters, no conflicts (2 of 4 stars). 5 submissions from 5 submitters: Likely benign (5). Last evaluated 2026-01-04.

Conditions:
Cardiovascular phenotype. Identifiers: MedGen CN230736.
Arrhythmogenic right ventricular dysplasia 12. Also called: ARRHYTHMOGENIC RIGHT VENTRICULAR DYSPLASIA, FAMILIAL, 12. Identifiers: MedGen C1969081, MONDO:0012684, OMIM 611528.
Naxos disease (NXD). Also called: PALMOPLANTAR KERATODERMA WITH ARRHYTHMOGENIC RIGHT VENTRICULAR CARDIOMYOPATHY AND WOOLLY HAIR; WOOLLY HAIR, PALMOPLANTAR KERATODERMA, AND CARDIAC ABNORMALITIES; KERATOSIS PALMOPLANTARIS WITH ARRHYTHMOGENIC CARDIOMYOPATHY; CARDIOMYOPATHY, ARRHYTHMOGENIC RIGHT VENTRICULAR, WITH SKIN, HAIR, AND NAIL ABNORMALITIES; MAL DE NAXOS. Identifiers: Orphanet 34217, MedGen C1832600, MONDO:0011017, OMIM 601214.

Allele frequency attached by ClinVar (database versions not stated): gnomAD exomes 0.00003 and 0.00001; TOPMed 0.00021; ExAC 0.00002; 1000 Genomes Project 30x 0.00016; 1000 Genomes Project 0.00020; gnomAD 0.00015 and 0.00017.
gnomAD v4.1: 43 of 1,614,258 alleles (0.0027%); highest among the groups gnomAD compares: African/African-American, 0.043%; no homozygotes.

Submissions (5):

Labcorp Genetics (formerly Invitae), Labcorp
Classification: Likely benign for Arrhythmogenic right ventricular dysplasia 12; Naxos disease. Last evaluated: 2026-01-04. Review status: criteria provided, single submitter. Criteria: Invitae Variant Classification Sherloc (09022015). Collection method: clinical testing. Allele origin: germline.

ARUP Laboratories, Molecular Genetics and Genomics, ARUP Laboratories
Classification: Likely benign. Last evaluated: 2025-05-20. Review status: criteria provided, single submitter. Criteria: ARUP Molecular Germline Variant Investigation Process 2024. Collection method: clinical testing. Allele origin: germline.

Women's Health and Genetics/Laboratory Corporation of America, LabCorp
Classification: Likely benign. Last evaluated: 2021-06-13. Review status: criteria provided, single submitter. Criteria: LabCorp Variant Classification Summary - May 2015. Collection method: clinical testing. Allele origin: germline.

Ambry Genetics
Classification: Likely benign for Cardiovascular phenotype. Last evaluated: 2019-01-24. Review status: criteria provided, single submitter. Criteria: Ambry Variant Classification Scheme 2023. Collection method: clinical testing. Allele origin: germline.

GeneDx
Classification: Likely benign. Last evaluated: 2017-06-13. Review status: criteria provided, single submitter. Criteria: GeneDx Variant Classification (06012015). Collection method: clinical testing. Allele origin: germline. Affected: yes.
Comment: This variant is considered likely benign or benign based on one or more of the following criteria: it is a conservative change, it occurs at a poorly conserved position in the protein, it is predicted to be benign by multiple in silico algorithms, and/or has population frequency not consistent with disease.